The following is an entry in ClinVar:

NM_002047.4(GARS1):c.2212G>A (p.Glu738Lys)

Gene: GARS1 (glycyl-tRNA synthetase 1; plus strand). Cytogenetic location: 7p14.3.
Variant type: single nucleotide variant.
Coding change: c.2212G>A on transcript NM_002047.4 (MANE Select); coding-DNA position 2212, G replaced by A.
Protein change: p.Glu738Lys; replaces glutamic acid 738 with lysine.
Molecular consequence: missense variant.
Genome position (GRCh38, 1-based): chr7:30,633,852, G>A. VCF-style: chr7-30633852-G-A. GRCh37 (hg19) VCF-style: chr7-30673468-G-A.
Other names: c.2212G>A (LRG_243t1); c.2050G>A, p.Glu684Lys (NM_001316772.1); short protein forms E738K, E684K.
Identifiers: ClinVar variation 360019 (VCV000360019.17), dbSNP rs181251337, ClinGen allele CA4206184.

ClinVar aggregate classification (germline): Benign/Likely benign. Review status: criteria provided, multiple submitters, no conflicts (2 of 4 stars). 7 submissions from 5 submitters: Benign (1); Likely benign (6). Last evaluated 2025-09-24.

Conditions:
Distal spinal muscular atrophy. Also called: Distal hereditary motor neuropathy; Distal hereditary motor neuronopathy. Identifiers: Orphanet 53739, MedGen C0393541, MONDO:0018894.
Neuronopathy, distal hereditary motor, type 5A (HMND5). Also called: Distal Spinal Muscular Atrophy V; Distal Spinal Muscular Atrophy V (dSMA-V); NEURONOPATHY, DISTAL HEREDITARY MOTOR, AUTOSOMAL DOMINANT 5; DHMN VA. Identifiers: Orphanet 139536, MedGen CN031873, MONDO:0015353, OMIM 600794.
Charcot-Marie-Tooth disease type 2. Also called: Charcot-Marie-Tooth type 2. Identifiers: Orphanet 64746, MedGen C0270914, MONDO:0018993.
Charcot-Marie-Tooth disease type 2D (CMT2D). Also called: Charcot-Marie-Tooth Neuropathy Type 2D; GARS1 Adolescent- or Early Adult-Onset Hereditary Motor/Sensory Neuropathy (GARS1-HMSN); CHARCOT-MARIE-TOOTH DISEASE, AXONAL, TYPE 2D; CHARCOT-MARIE-TOOTH DISEASE, NEURONAL, TYPE 2D. Identifiers: Orphanet 99938, MedGen C1832274, MONDO:0011091, OMIM 601472.

Allele frequency attached by ClinVar (database versions not stated): gnomAD 0.00006 and 0.00009; TOPMed 0.00007; gnomAD exomes 0.00012 and 0.00016; ExAC 0.00022; 1000 Genomes Project 0.00060; 1000 Genomes Project 30x 0.00062.
gnomAD v4.1: 183 of 1,598,594 alleles (0.011%); highest among the groups gnomAD compares: East Asian, 0.4%; 1 homozygote.

Submissions (7):

Women's Health and Genetics/Laboratory Corporation of America, LabCorp
Classification: Likely benign. Last evaluated: 2025-09-24. Review status: criteria provided, single submitter. Criteria: LabCorp Variant Classification Summary - May 2015. Collection method: clinical testing. Allele origin: germline.
Comment: Variant summary: GARS1 c.2212G>A (p.Glu738Lys) results in a conservative amino acid change in the encoded protein sequence. Algorithms developed to predict the effect of missense changes on protein structure and function are either unavailable or do not agree on the potential impact of this missense change. The variant allele was found at a frequency of 0.00011 in 1598594 control chromosomes in the gnomAD database, including 1 homozygotes. The observed variant frequency exceeds the estimated maximal expected allele frequency for disease-causing variants in GARS1. To our knowledge, no occurrence of c.2212G>A in individuals affected with GARS1-related conditions and no experimental evidence demonstrating its impact on protein function have been reported. ClinVar contains an entry for this variant (Variation ID: 360019). Based on the evidence outlined above, the variant was classified as likely benign.

Labcorp Genetics (formerly Invitae), Labcorp
Classification: Likely benign for Charcot-Marie-Tooth disease type 2. Last evaluated: 2024-01-22. Review status: criteria provided, single submitter. Criteria: Invitae Variant Classification Sherloc (09022015). Collection method: clinical testing. Allele origin: germline.

Ambry Genetics
Classification: Likely benign. Last evaluated: 2022-02-28. Review status: criteria provided, single submitter. Criteria: Ambry Variant Classification Scheme 2023. Collection method: clinical testing. Allele origin: germline.

Athena Diagnostics
Classification: Benign. Last evaluated: 2018-02-09. Review status: criteria provided, single submitter. Criteria: Athena Diagnostics Criteria. Collection method: clinical testing. Allele origin: germline.

Illumina Laboratory Services, Illumina
Classification: Likely benign for Charcot-Marie-Tooth disease type 2D. Last evaluated: 2017-04-27. Review status: criteria provided, single submitter. Criteria: ICSL Variant Classification Criteria 13 December 2019. Collection method: clinical testing. Allele origin: germline.
Comment: This variant was observed as part of a predisposition screen in an ostensibly healthy population. A literature search was performed for the gene, cDNA change, and amino acid change (where applicable). No publications were found based on this search. Allele frequency data from public databases allowed determination this variant is unlikely to cause disease. Therefore, this variant is classified as likely benign.

Illumina Laboratory Services, Illumina
Classification: Likely benign for Distal Spinal Muscular Atrophy. Last evaluated: 2017-04-27. Review status: criteria provided, single submitter. Criteria: ICSL Variant Classification Criteria 13 December 2019. Collection method: clinical testing. Allele origin: germline.
Comment: the same text as in the submission from Illumina Laboratory Services, Illumina above.

Illumina Laboratory Services, Illumina
Classification: Likely benign for Distal hereditary motor neuronopathy type 5. Last evaluated: 2017-04-27. Review status: criteria provided, single submitter. Criteria: ICSL Variant Classification Criteria 13 December 2019. Collection method: clinical testing. Allele origin: germline.
Comment: the same text as in the submission from Illumina Laboratory Services, Illumina above.

Literature cited by the submitters: PubMed 22730194 (cited by Women's Health and Genetics/Laboratory Corporation of America, LabCorp); PubMed 28160950 (cited by Ambry Genetics and Athena Diagnostics); PubMed 19329989 (cited by Athena Diagnostics).